The following is an entry in ClinVar:

NM_018685.5(ANLN):c.2055A>G (p.Glu685=)

Gene: ANLN (anillin, actin binding protein; plus strand). Cytogenetic location: 7p14.2.
Variant type: single nucleotide variant.
Coding change: c.2055A>G on transcript NM_018685.5 (MANE Select); coding-DNA position 2055, A replaced by G.
Protein change: p.Glu685=; no amino-acid change (glutamic acid 685 retained).
Molecular consequence: synonymous variant.
Genome position (GRCh38, 1-based): chr7:36,420,636, A>G. VCF-style: chr7-36420636-A-G. GRCh37 (hg19) VCF-style: chr7-36460245-A-G.
Other names: c.1944A>G, p.Glu648= (NM_001284301.3); c.1941A>G, p.Glu647= (NM_001284302.3).
Identifiers: ClinVar variation 3354461 (VCV003354461.1).

ClinVar aggregate classification (germline): Likely benign (0 of 4 stars; one submission).

Conditions:
ANLN-related disorder. Also called: ANLN-related condition.

gnomAD v4.1: 4 of 1,613,366 alleles (0.00025%); highest among the groups gnomAD compares: East Asian, 0.0045%; no homozygotes.

Submission:

PreventionGenetics, part of Exact Sciences
Classification: Likely benign for ANLN-related condition. Last evaluated: 2019-11-15. Review status: no assertion criteria provided. Collection method: clinical testing. Allele origin: germline.
Comment: This variant is classified as likely benign based on ACMG/AMP sequence variant interpretation guidelines (Richards et al. 2015 PMID: 25741868, with internal and published modifications).